The following is an entry in ClinVar:

NM_000089.4(COL1A2):c.2398C>G (p.Pro800Ala)

Gene: COL1A2 (collagen type I alpha 2 chain; plus strand). Cytogenetic location: 7q21.3.
Variant type: single nucleotide variant.
Coding change: c.2398C>G on transcript NM_000089.4 (MANE Select); coding-DNA position 2398, C replaced by G.
Protein change: p.Pro800Ala; replaces proline 800 with alanine.
Molecular consequence: missense variant.
Genome position (GRCh38, 1-based): chr7:94,421,947, C>G. VCF-style: chr7-94421947-C-G. GRCh37 (hg19) VCF-style: chr7-94051259-C-G.
Other names: short protein forms P800A.
Identifiers: ClinVar variation 2052558 (VCV002052558.4), dbSNP rs1229739156, ClinGen allele CA368223846.
Genomic context (GRCh38, chr7:94,421,947, plus strand): 5'-CTTGGCTCTTAGGGTATGACTGGTTTCCCTGGTGCTGCTGGACGGACTGGTCCCCCAGGA[C>G]CCTCTGTAAGTAAATCACTGTAAACGTGTCTTCATTTACTCTAGCCAAAAGGCCTGGCTT-3'
Protein context (NP_000080.2, residues 790-810): GAAGRTGPPG[Pro800Ala]SGISGPPGPP

ClinVar aggregate classification (germline): Uncertain significance (1 of 4 stars; one submission).

Conditions:
Ehlers-Danlos syndrome, classic type, 1 (EDSCL1). Also called: EHLERS-DANLOS SYNDROME, GRAVIS TYPE; EHLERS-DANLOS SYNDROME, SEVERE CLASSIC TYPE; Ehlers-Danlos syndrome, type 1; EDS I; Ehlers-Danlos Syndrome, Classic Type, COL5A1-Related. Identifiers: MedGen C0268335, MONDO:0019567, OMIM 130000.
Osteogenesis imperfecta type I (OI1). Also called: OI, TYPE I; OSTEOGENESIS IMPERFECTA TARDA; OSTEOGENESIS IMPERFECTA WITH BLUE SCLERAE; Osteogenesis imperfecta type 1; Lobstein's Disease; Lobstein disease. Identifiers: Orphanet 216796, Orphanet 666, MedGen C0023931, MONDO:0008146, OMIM 166200. Disease mechanism: loss of function.

Submission:

Labcorp Genetics (formerly Invitae), Labcorp
Classification: Uncertain significance for Osteogenesis imperfecta type I; Ehlers-Danlos syndrome, classic type, 1. Last evaluated: 2022-10-17. Review status: criteria provided, single submitter. Criteria: Invitae Variant Classification Sherloc (09022015). Collection method: clinical testing. Allele origin: germline.
Comment: This sequence change replaces proline, which is neutral and non-polar, with alanine, which is neutral and non-polar, at codon 800 of the COL1A2 protein (p.Pro800Ala). In summary, the available evidence is currently insufficient to determine the role of this variant in disease. Therefore, it has been classified as a Variant of Uncertain Significance. Advanced modeling of protein sequence and biophysical properties (such as structural, functional, and spatial information, amino acid conservation, physicochemical variation, residue mobility, and thermodynamic stability) performed at Invitae indicates that this missense variant is not expected to disrupt COL1A2 protein function. This variant has not been reported in the literature in individuals affected with COL1A2-related conditions. This variant is not present in population databases (gnomAD no frequency).